The following is an entry in ClinVar:

ClinVar aggregate classification (germline): Pathogenic/Likely pathogenic. Review status: criteria provided, multiple submitters, no conflicts (2 of 4 stars). 5 submissions from 5 submitters: Pathogenic (3); Likely pathogenic (1). 1 of the submissions does not count toward it. Last evaluated 2025-08-29.

Conditions:
Infantile hypophosphatasia. Identifiers: Orphanet 247651, Orphanet 436, MedGen C0268412, MONDO:1010169, OMIM 241500, MONDO:0009427.
Adult hypophosphatasia. Identifiers: Orphanet 247676, Orphanet 436, MedGen C0268413, MONDO:1010154, OMIM 146300, MONDO:0007798.
Hypophosphatasia. Also called: Phosphoethanol-aminuria. Identifiers: Orphanet 436, MedGen C0020630, MeSH D007014, MONDO:0018570.

Submissions (5):

Genomenon, Inc
Classification: Pathogenic for Hypophosphatasia. Last evaluated: 2025-08-29. Review status: criteria provided, single submitter. Criteria: Genomenon Sequence Variant Interpretation Standards. Collection method: curation. Allele origin: germline. Affected: yes.
Comment: ALPL p.Gly222TrpfsTer10 (c.662dup) is a frameshift variant that results in the production of a truncated protein which is predicted to undergo nonsense-mediated mRNA decay. This variant has been observed in at least one proband affected with hypophosphatasia (PMID:36361766;18925618). It is absent or not present at a significant frequency in gnomAD. In conclusion, we classify ALPL p.Gly222TrpfsTer10 (c.662dup) as a pathogenic variant.

Baylor Genetics
Classification: Pathogenic for Adult hypophosphatasia. Last evaluated: 2023-11-16. Review status: criteria provided, single submitter. Criteria: ACMG Guidelines, 2015. Collection method: clinical testing. Allele origin: unknown.

GeneDx
Classification: Likely pathogenic. Last evaluated: 2023-07-17. Review status: criteria provided, single submitter. Criteria: GeneDx Variant Classification Process June 2021. Collection method: clinical testing. Allele origin: germline. Affected: yes.
Comment: Frameshift variant predicted to result in protein truncation or nonsense mediated decay in a gene for which loss of function is a known mechanism of disease; Not observed at significant frequency in large population cohorts (gnomAD); Reported with a second ALPL variant, phase unknown, in a fetus with hypophosphatasia (Simon-Bouy et al., 2008); This variant is associated with the following publications: (PMID: 10737975, 27397505, 18925618)

Labcorp Genetics (formerly Invitae), Labcorp
Classification: Pathogenic. Last evaluated: 2019-05-07. Review status: criteria provided, single submitter. Criteria: Invitae Variant Classification Sherloc (09022015). Collection method: clinical testing. Allele origin: germline.
Comment: This sequence change creates a premature translational stop signal (p.Gly222Trpfs*10) in the ALPL gene. It is expected to result in an absent or disrupted protein product. This variant is not present in population databases (ExAC no frequency). This variant has been observed in a fetus with clinical features of hypophosphatasia (PMID: 18925618). This variant is also known as 662insG in the literature. ClinVar contains an entry for this variant (Variation ID: 370379). Loss-of-function variants in ALPL are known to be pathogenic (PMID: 3174660, 10679946, 19500388). For these reasons, this variant has been classified as Pathogenic.

Counsyl
Classification: Likely pathogenic for Infantile hypophosphatasia. Last evaluated: 2016-01-28. Review status: no assertion criteria provided. Collection method: clinical testing. Allele origin: unknown. Not counted in ClinVar's aggregate classification.

Literature cited by the submitters: PubMed 36361766 (cited by Genomenon, Inc); PubMed 18925618 (cited by 3 submitters); PubMed 3174660 (cited by Labcorp Genetics (formerly Invitae), Labcorp); PubMed 10679946 (cited by Labcorp Genetics (formerly Invitae), Labcorp); PubMed 19500388 (cited by Labcorp Genetics (formerly Invitae), Labcorp).

NM_000478.6(ALPL):c.662dup (p.Gly222fs)

Gene: ALPL (alkaline phosphatase, biomineralization associated; plus strand). Cytogenetic location: 1p36.12.
Variant type: Duplication.
Coding change: c.662dup on transcript NM_000478.6 (MANE Select); coding-DNA position 662, one base duplicated (G; older notation c.662dupG).
Protein change: p.Gly222fs; shifts the reading frame from glycine 222.
Molecular consequence: frameshift variant.
Genome position (GRCh38, 1-based): chr1:21,568,117, G duplicated; the last of 6 consecutive G bases (chr1:21,568,112-21,568,117); duplicating any one gives the same sequence. VCF-style (leftmost placement, unchanged base first): chr1-21568111-T-TG. GRCh37 (hg19) VCF-style: chr1-21894604-T-TG.
Other names: c.497dup, p.Gly167fs (NM_001127501.4); c.431dup, p.Gly145fs (NM_001177520.3); c.662dup, p.Gly222fs (NM_001369803.2, NM_001369804.2, NM_001369805.2); c.662dup (NM_000478.4); short protein forms G167fs, G222fs, G145fs.
Identifiers: ClinVar variation 370379 (VCV000370379.14), dbSNP rs769948289, ClinGen allele CA16040717.